The following is an entry in ClinVar:

NM_000179.3(MSH6):c.2010G>C (p.Gly670=)

Gene: MSH6 (mutS homolog 6; plus strand). Cytogenetic location: 2p16.3.
Variant type: single nucleotide variant.
Coding change: c.2010G>C on transcript NM_000179.3 (MANE Select); coding-DNA position 2010, G replaced by C.
Protein change: p.Gly670=; no amino-acid change (glycine 670 retained).
Molecular consequence: synonymous variant.
Genome position (GRCh38, 1-based): chr2:47,799,993, G>C. VCF-style: chr2-47799993-G-C. GRCh37 (hg19) VCF-style: chr2-48027132-G-C.
Other names: c.1620G>C, p.Gly540= (NM_001281492.2); c.1104G>C, p.Gly368= (NM_001281493.2, NM_001281494.2).
Identifiers: ClinVar variation 760372 (VCV000760372.12), dbSNP rs1553413390, ClinGen allele CA426121311.

ClinVar aggregate classification (germline): Benign/Likely benign. Review status: criteria provided, multiple submitters, no conflicts (2 of 4 stars). 2 submissions from 2 submitters: Benign (1); Likely benign (1). Last evaluated 2024-12-30.

Conditions:
Hereditary nonpolyposis colorectal neoplasms. Identifiers: MedGen C0009405, MeSH D003123.
Lynch syndrome 5 (LYNCH5). Also called: Hereditary non-polyposis colorectal cancer, type 5; Colorectal cancer, hereditary nonpolyposis, type 5. Identifiers: Orphanet 144, MedGen C1833477, MONDO:0013710, OMIM 614350. Disease mechanism: loss of function.

Submissions (2):

Myriad Genetics, Inc.
Classification: Benign for Lynch syndrome 5. Last evaluated: 2024-12-30. Review status: criteria provided, single submitter. Criteria: Myriad Autosomal Dominant, Autosomal Recessive and X-Linked Classification Criteria (2023). Collection method: clinical testing. Allele origin: unknown.
Comment: This variant is considered benign. This variant is a silent/synonymous amino acid change and it is not expected to impact splicing.

Labcorp Genetics (formerly Invitae), Labcorp
Classification: Likely benign for Hereditary nonpolyposis colorectal neoplasms. Last evaluated: 2023-07-03. Review status: criteria provided, single submitter. Criteria: Invitae Variant Classification Sherloc (09022015). Collection method: clinical testing. Allele origin: germline.